The following is an entry in ClinVar:

NM_000019.4(ACAT1):c.903G>A (p.Ala301=)

Gene: ACAT1 (acetyl-CoA acetyltransferase 1; plus strand). Cytogenetic location: 11q22.3.
Variant type: single nucleotide variant.
Coding change: c.903G>A on transcript NM_000019.4 (MANE Select); coding-DNA position 903, G replaced by A.
Protein change: p.Ala301=; no amino-acid change (alanine 301 retained).
Molecular consequence: synonymous variant.
Genome position (GRCh38, 1-based): chr11:108,142,513, G>A. VCF-style: chr11-108142513-G-A. GRCh37 (hg19) VCF-style: chr11-108013240-G-A.
Other names: c.903G>A, p.Ala301= (LRG_1400t1).
Identifiers: ClinVar variation 302202 (VCV000302202.18), dbSNP rs75811190, ClinGen allele CA6263247.

ClinVar aggregate classification (germline): Benign/Likely benign. Review status: criteria provided, multiple submitters, no conflicts (2 of 4 stars). 5 submissions from 5 submitters: Benign (3); Likely benign (1). 1 of the submissions does not count toward it. Last evaluated 2026-01-24.

Conditions:
Deficiency of acetyl-CoA acetyltransferase. Also called: 3-KETOTHIOLASE DEFICIENCY; 3-OXOTHIOLASE DEFICIENCY; MITOCHONDRIAL ACETOACETYL-CoA THIOLASE DEFICIENCY; Beta-ketothiolase deficiency. Identifiers: Orphanet 134, MedGen C1536500, MONDO:0008760, OMIM 203750. Disease mechanism: loss of function.

Allele frequency attached by ClinVar (database versions not stated): gnomAD exomes 0.00032 and 0.00094; ExAC 0.00122; 1000 Genomes Project 0.00359; gnomAD 0.00359 and 0.00390; ESP Exome Variant Server 0.00377; TOPMed 0.00379; 1000 Genomes Project 30x 0.00390.

Submissions (5):

Labcorp Genetics (formerly Invitae), Labcorp
Classification: Benign for Deficiency of acetyl-CoA acetyltransferase. Last evaluated: 2026-01-24. Review status: criteria provided, single submitter. Criteria: Invitae Variant Classification Sherloc (09022015). Collection method: clinical testing. Allele origin: germline.

Blueprint Genetics
Classification: Likely benign. Last evaluated: 2024-11-27. Review status: criteria provided, single submitter. Criteria: ACMG Guidelines, 2015. Collection method: clinical testing. Allele origin: germline.

ARUP Laboratories, Molecular Genetics and Genomics, ARUP Laboratories
Classification: Benign for Deficiency of acetyl-CoA acetyltransferase. Last evaluated: 2022-09-13. Review status: criteria provided, single submitter. Criteria: ARUP Molecular Germline Variant Investigation Process 2021. Collection method: clinical testing. Allele origin: germline.

Illumina Laboratory Services, Illumina
Classification: Benign for Deficiency of acetyl-CoA acetyltransferase. Last evaluated: 2018-01-12. Review status: criteria provided, single submitter. Criteria: ICSL Variant Classification Criteria 13 December 2019. Collection method: clinical testing. Allele origin: germline.
Comment: This variant was observed in the ICSL laboratory as part of a predisposition screen in an ostensibly healthy population. It had not been previously curated by ICSL or reported in the Human Gene Mutation Database (HGMD: prior to June 1st, 2018), and was therefore a candidate for classification through an automated scoring system. Utilizing variant allele frequency, disease prevalence and penetrance estimates, and inheritance mode, an automated score was calculated to assess if this variant is too frequent to cause the disease. Based on the score and internal cut-off values, a variant classified as benign is not then subjected to further curation. The score for this variant resulted in a classification of benign for this disease.

Natera, Inc.
Classification: Benign for Alpha-methylacetoacetic aciduria. Last evaluated: 2020-04-11. Review status: no assertion criteria provided. Collection method: clinical testing. Allele origin: germline. Not counted in ClinVar's aggregate classification.